The following is an entry in ClinVar:

ClinVar aggregate classification (germline): Uncertain significance. Review status: criteria provided, multiple submitters, no conflicts (2 of 4 stars). 3 submissions from 3 submitters: Uncertain significance (3). Last evaluated 2024-11-21.

Conditions:
Inborn genetic diseases. Identifiers: MedGen C0950123, MeSH D030342.
Nephronophthisis 18 (NPHP18). Identifiers: Orphanet 655, MedGen C3890591, MONDO:0014374, OMIM 615862.

Allele frequency attached by ClinVar (database versions not stated): gnomAD exomes 0.00010 and 0.00022; ExAC 0.00012; gnomAD 0.00013 and 0.00014; ESP Exome Variant Server 0.00017; TOPMed 0.00019.
gnomAD v4.1: 345 of 1,613,686 alleles (0.021%); highest among the groups gnomAD compares: Non-Finnish European, 0.027%; no homozygotes.

Submissions (3):

Blueprint Genetics
Classification: Uncertain significance. Last evaluated: 2024-11-21. Review status: criteria provided, single submitter. Criteria: ACMG Guidelines, 2015. Collection method: clinical testing. Allele origin: germline.

Labcorp Genetics (formerly Invitae), Labcorp
Classification: Uncertain significance for Nephronophthisis 18. Last evaluated: 2024-11-11. Review status: criteria provided, single submitter. Criteria: Invitae Variant Classification Sherloc (09022015). Collection method: clinical testing. Allele origin: germline.
Comment: This sequence change replaces glutamic acid, which is acidic and polar, with glycine, which is neutral and non-polar, at codon 427 of the CEP83 protein (p.Glu427Gly). This variant is present in population databases (rs199501110, gnomAD 0.04%). This variant has not been reported in the literature in individuals affected with CEP83-related conditions. ClinVar contains an entry for this variant (Variation ID: 954200). Invitae Evidence Modeling of protein sequence and biophysical properties (such as structural, functional, and spatial information, amino acid conservation, physicochemical variation, residue mobility, and thermodynamic stability) has been performed for this missense variant. However, the output from this modeling did not meet the statistical confidence thresholds required to predict the impact of this variant on CEP83 protein function. In summary, the available evidence is currently insufficient to determine the role of this variant in disease. Therefore, it has been classified as a Variant of Uncertain Significance.

Ambry Genetics
Classification: Uncertain significance for Inborn genetic diseases. Last evaluated: 2024-02-13. Review status: criteria provided, single submitter. Criteria: Ambry Variant Classification Scheme 2023. Collection method: clinical testing. Allele origin: germline.

NM_016122.3(CEP83):c.1280A>G (p.Glu427Gly)

Gene: CEP83 (centrosomal protein 83; minus strand). Cytogenetic location: 12q22.
Variant type: single nucleotide variant.
Coding change: c.1280A>G on transcript NM_016122.3 (MANE Select); coding-DNA position 1280, A replaced by G.
Protein change: p.Glu427Gly; replaces glutamic acid 427 with glycine.
Molecular consequence: missense variant. On other transcripts: non-coding transcript variant (1).
Genome position (GRCh38, 1-based): chr12:94,367,857, T>C on the plus strand (A>G on the coding strand, the complement: CEP83 is on the minus strand). VCF-style: chr12-94367857-T-C. GRCh37 (hg19) VCF-style: chr12-94761633-T-C.
Other names: c.1280A>G, p.Glu427Gly (NM_001042399.2, NM_001346457.2, NM_001368037.1 and 1 more transcripts); c.968A>G, p.Glu323Gly (NM_001346458.2, NM_001346459.2, NM_001368039.1 and 1 more transcripts); c.1055A>G, p.Glu352Gly (NM_001368041.1); short protein forms E352G, E427G, E323G.
Identifiers: ClinVar variation 954200 (VCV000954200.7), dbSNP rs199501110, ClinGen allele CA6721690.